The following is an entry in ClinVar:

ClinVar aggregate classification (germline): Uncertain significance. Review status: criteria provided, multiple submitters, no conflicts (2 of 4 stars). 2 submissions from 2 submitters: Uncertain significance (2). Last evaluated 2026-09-08.

Conditions:
Hereditary cancer-predisposing syndrome. Also called: Neoplastic Syndromes, Hereditary; Tumor predisposition; Hereditary Cancer Syndrome; Hereditary neoplastic syndrome. Identifiers: Orphanet 140162, MedGen C0027672, MeSH D009386, MONDO:0015356.

Submissions (2):

Ambry Genetics
Classification: Uncertain significance for Hereditary cancer-predisposing syndrome. Last evaluated: 2026-09-08. Review status: criteria provided, single submitter. Criteria: Ambry Variant Classification Scheme 2023. Collection method: clinical testing. Allele origin: germline.
Comment: The p.M68L variant (also known as c.202A>C), located in coding exon 1 of the GREM1 gene, results from an A to C substitution at nucleotide position 202. The methionine at codon 68 is replaced by leucine, an amino acid with highly similar properties. This amino acid position is conserved. In addition, this alteration is predicted to be tolerated by in silico analysis. Based on the available evidence, the clinical significance of this variant remains unclear.

Dasa
Classification: Uncertain significance. Last evaluated: 2026-03-02. Review status: criteria provided, single submitter. Criteria: DASA Assertion Criteria. Collection method: clinical testing. Allele origin: germline.
Comment: NM_013372.7(GREM1):c.202A>C (p.Met68Leu) is a missense variant that results in the substitution of methionine with leucine. This variant is rare in population databases. Computational prediction algorithms are consistent with a benign effect. The currently available literature and clinical evidence are not sufficient to establish a definitive association between this variant and the reported condition. Therefore, this variant is classified as a variant of uncertain significance.

NM_013372.7(GREM1):c.202A>C (p.Met68Leu)

Gene: GREM1 (gremlin 1, DAN family BMP antagonist; plus strand). Cytogenetic location: 15q13.3.
Variant type: single nucleotide variant.
Coding change: c.202A>C on transcript NM_013372.7 (MANE Select); coding-DNA position 202, A replaced by C.
Protein change: p.Met68Leu; replaces methionine 68 with leucine.
Molecular consequence: missense variant. On other transcripts: intron variant (2).
Genome position (GRCh38, 1-based): chr15:32,730,892, A>C. VCF-style: chr15-32730892-A-C. GRCh37 (hg19) VCF-style: chr15-33023093-A-C.
Other names: c.202A>C (NM_013372.6); c.202A>C, p.Met68Leu (NM_001368719.1); c.115-36A>C (NM_001191323.2); c.28-36A>C (NM_001191322.2); short protein forms M68L.
Identifiers: ClinVar variation 4883062 (VCV004883062.3).